The following is an entry in ClinVar:

NM_004380.3(CREBBP):c.6406del (p.Gln2136fs)

Gene: CREBBP (CREB binding lysine acetyltransferase; minus strand). Cytogenetic location: 16p13.3.
Variant type: Deletion.
Coding change: c.6406del on transcript NM_004380.3 (MANE Select); coding-DNA position 6406, one base deleted (C; older notation c.6406delC).
Protein change: p.Gln2136fs; shifts the reading frame from glutamine 2136.
Molecular consequence: frameshift variant.
Genome position (GRCh38, 1-based): chr16:3,728,641, G deleted on the plus strand (C on the coding strand, the reverse complement: CREBBP is on the minus strand). VCF-style (leftmost placement, unchanged base first): chr16-3728640-TG-T. GRCh37 (hg19) VCF-style: chr16-3778641-TG-T.
Other names: c.6292del, p.Gln2098fs (NM_001079846.1); short protein forms Q2098fs, Q2136fs.
Identifiers: ClinVar variation 4292702 (VCV004292702.1).

ClinVar aggregate classification (germline): Likely pathogenic (1 of 4 stars; one submission).

Conditions:
Rubinstein-Taybi syndrome due to CREBBP mutations (RSTS1). Also called: BROAD THUMBS AND GREAT TOES, CHARACTERISTIC FACIES, AND IMPAIRED INTELLECTUAL DEVELOPMENT; RUBINSTEIN-TAYBI SYNDROME 1, INCOMPLETE; BROAD THUMB-HALLUX SYNDROME; Rubinstein-Taybi syndrome 1; CREBBP-Related Rubinstein-Taybi Syndrome; RUBINSTEIN SYNDROME. Identifiers: Orphanet 353277, Orphanet 783, MedGen C4551859, MONDO:0008393, OMIM 180849.

Submission:

3billion
Classification: Likely pathogenic for Rubinstein-Taybi syndrome due to CREBBP mutations. Last evaluated: 2024-10-17. Review status: criteria provided, single submitter. Criteria: ACMG Guidelines, 2015. Collection method: clinical testing. Allele origin: germline. Affected: yes.
Comment: The variant is not observed in the gnomAD v4.1.0 dataset. Predicted Consequence/Location: Frameshift: predicted to result in a loss or disruption of normal protein function through protein truncation. The predicted truncated protein may be shortened by more than 10%. Therefore, this variant is classified as Likely pathogenic according to the recommendation of ACMG/AMP guideline.